The following is an entry in ClinVar:

NM_001378452.1(ITPR1):c.6409T>G (p.Tyr2137Asp)

Gene: ITPR1 (inositol 1,4,5-trisphosphate receptor type 1; plus strand). Cytogenetic location: 3p26.1.
Variant type: single nucleotide variant.
Coding change: c.6409T>G on transcript NM_001378452.1 (MANE Select); coding-DNA position 6409, T replaced by G.
Protein change: p.Tyr2137Asp; replaces tyrosine 2137 with aspartic acid.
Molecular consequence: missense variant.
Genome position (GRCh38, 1-based): chr3:4,782,640, T>G. VCF-style: chr3-4782640-T-G. GRCh37 (hg19) VCF-style: chr3-4824324-T-G.
Other names: c.6265T>G, p.Tyr2089Asp (NM_001099952.4); c.6364T>G, p.Tyr2122Asp (NM_001168272.2); c.6220T>G, p.Tyr2074Asp (NM_002222.7); short protein forms Y2074D, Y2089D, Y2122D, Y2137D.
Identifiers: ClinVar variation 3364086 (VCV003364086.1).

ClinVar aggregate classification (germline): Uncertain significance (1 of 4 stars; one submission).

Submission:

GeneDx
Classification: Uncertain significance. Last evaluated: 2023-11-21. Review status: criteria provided, single submitter. Criteria: GeneDx Variant Classification Process June 2021. Collection method: clinical testing. Allele origin: germline. Affected: yes.
Comment: Not observed at significant frequency in large population cohorts (gnomAD); In silico analysis supports that this missense variant has a deleterious effect on protein structure/function; Has not been previously published as pathogenic or benign to our knowledge